The following is an entry in ClinVar:

ClinVar aggregate classification (germline): Uncertain significance (1 of 4 stars; one submission).

Conditions:
Familial adenomatous polyposis 1 (FAP1). Also called: POLYPOSIS, ADENOMATOUS INTESTINAL; FAMILIAL ADENOMATOUS POLYPOSIS 1, ATTENUATED. Identifiers: MedGen C2713442, MONDO:0021056, OMIM 175100. Disease mechanism: loss of function.

Submission:

Labcorp Genetics (formerly Invitae), Labcorp
Classification: Uncertain significance for Familial adenomatous polyposis 1. Last evaluated: 2023-10-18. Review status: criteria provided, single submitter. Criteria: Invitae Variant Classification Sherloc (09022015). Collection method: clinical testing. Allele origin: germline.
Comment: This sequence change replaces glutamine, which is neutral and polar, with proline, which is neutral and non-polar, at codon 1549 of the APC protein (p.Gln1549Pro). This variant is not present in population databases (gnomAD no frequency). This variant has not been reported in the literature in individuals affected with APC-related conditions. Advanced modeling of protein sequence and biophysical properties (such as structural, functional, and spatial information, amino acid conservation, physicochemical variation, residue mobility, and thermodynamic stability) performed at Invitae indicates that this missense variant is not expected to disrupt APC protein function. In summary, the available evidence is currently insufficient to determine the role of this variant in disease. Therefore, it has been classified as a Variant of Uncertain Significance.

NM_000038.6(APC):c.4646A>C (p.Gln1549Pro)

Gene: APC (APC regulator of Wnt signaling pathway; plus strand). Cytogenetic location: 5q22.2.
Variant type: single nucleotide variant.
Coding change: c.4646A>C on transcript NM_000038.6 (MANE Select); coding-DNA position 4646, A replaced by C.
Protein change: p.Gln1549Pro; replaces glutamine 1549 with proline.
Molecular consequence: missense variant. On other transcripts: non-coding transcript variant (2).
Genome position (GRCh38, 1-based): chr5:112,840,240, A>C. VCF-style: chr5-112840240-A-C. GRCh37 (hg19) VCF-style: chr5-112175937-A-C.
Other names: c.4646A>C, p.Gln1549Pro (NM_001127510.3, NM_001354895.2, NM_001407450.1); c.4592A>C, p.Gln1531Pro (NM_001127511.3); c.4700A>C, p.Gln1567Pro (NM_001354896.2, NM_001407447.1, NM_001407448.1 and 1 more transcripts); c.4676A>C, p.Gln1559Pro (NM_001354897.2); c.4571A>C, p.Gln1524Pro (NM_001354898.2); c.4562A>C, p.Gln1521Pro (NM_001354899.2); c.4523A>C, p.Gln1508Pro (NM_001354900.2); c.4469A>C, p.Gln1490Pro (NM_001354901.2, NM_001407453.1); and 11 more; short protein forms Q1389P, Q1490P, Q1539P, Q1567P, Q1577P, Q1420P, Q1531P, Q1423P.
Identifiers: ClinVar variation 2769719 (VCV002769719.3), dbSNP rs2149919957, ClinGen allele CA16031511.